The following is an entry in ClinVar:

Conditions:
Breast-ovarian cancer, familial, susceptibility to, 1 (BROVCA1). Also called: BRCA1 Hereditary Breast and Ovarian Cancer; OVARIAN CANCER, SUSCEPTIBILITY TO. Identifiers: Orphanet 145, MedGen C2676676, MONDO:0011450, OMIM 604370. Disease mechanism: loss of function.

Submission:

Brotman Baty Institute, University of Washington
No classification provided (evidence only). Condition: Breast-ovarian cancer, familial 1. Review status: no classification provided. Collection method: in vitro. Allele origin: not applicable. Functional consequence: functionally_normal.
ClinVar note: "not provided" was previously submitted as the classification for the variant. However, the classification appeared to be based only on an observation of functional data so it was converted to no classification on 2025-07-30.

NM_007294.4(BRCA1):c.5493T>A (p.Pro1831=)

Gene: BRCA1 (BRCA1 DNA repair associated; minus strand). Cytogenetic location: 17q21.31.
Variant type: single nucleotide variant.
Coding change: c.5493T>A on transcript NM_007294.4 (MANE Select); coding-DNA position 5493, T replaced by A.
Protein change: p.Pro1831=; no amino-acid change (proline 1831 retained).
Molecular consequence: synonymous variant. On other transcripts: 3 prime UTR variant (17).
Genome position (GRCh38, 1-based): chr17:43,045,777, A>T on the plus strand (T>A on the coding strand, the complement: BRCA1 is on the minus strand). VCF-style: chr17-43045777-A-T. GRCh37 (hg19) VCF-style: chr17-41197794-A-T.
Other names: c.5487T>A, p.Pro1829= (NM_001407636.1, NM_001407637.1, NM_001407638.1 and 13 more transcripts); c.5484T>A, p.Pro1828= (NM_001407644.1, NM_001407645.1); c.5481T>A, p.Pro1827= (NM_001407646.1); c.5478T>A, p.Pro1826= (NM_001407647.1); c.5436T>A, p.Pro1812= (NM_001407648.1); c.5433T>A, p.Pro1811= (NM_001407649.1); c.5415T>A, p.Pro1805= (NM_001407652.1, NM_001407653.1, NM_001407654.1 and 1 more transcripts); c.5412T>A, p.Pro1804= (NM_001407656.1, NM_001407657.1, NM_001407658.1); and 74 more.
Identifiers: ClinVar variation 867598 (VCV000867598.3), dbSNP rs2050882264, ClinGen allele CA500142937.